The following is an entry in ClinVar:

NM_004006.3(DMD):c.4234-13A>G

Gene: DMD (dystrophin; minus strand). Cytogenetic location: Xp21.1.
Variant type: single nucleotide variant.
Coding change: c.4234-13A>G on transcript NM_004006.3 (MANE Select); 13 bases into the intron before coding-DNA position 4234, A replaced by G.
Molecular consequence: intron variant.
Genome position (GRCh38, 1-based): chrX:32,390,194, T>C on the plus strand (A>G on the coding strand, the complement: DMD is on the minus strand). VCF-style: chrX-32390194-T-C. GRCh37 (hg19) VCF-style: chrX-32408311-T-C.
Other names: c.4210-13A>G (NM_000109.4); c.211-13A>G (NM_004011.4); c.202-13A>G (NM_004012.4); c.4222-13A>G (NM_004009.3); c.3865-13A>G (NM_004010.3).
Identifiers: ClinVar variation 94617 (VCV000094617.38), dbSNP rs41303181, ClinGen allele CA285572.

ClinVar aggregate classification (germline): Benign. Review status: criteria provided, multiple submitters, no conflicts (2 of 4 stars). 13 submissions from 12 submitters: Benign (12). 1 of the submissions does not count toward it. Last evaluated 2026-02-04.

Conditions:
Dilated cardiomyopathy 3B (CMD3B). Also called: CMD3B: DMD-Related Dilated Cardiomyopathy; CARDIOMYOPATHY, DILATED, X-LINKED; DMD-Associated Dilated Cardiomyopathy. Identifiers: Orphanet 154, MedGen C3668940, MONDO:0010542, OMIM 302045.
Becker muscular dystrophy (BMD). Also called: MUSCULAR DYSTROPHY, PSEUDOHYPERTROPHIC PROGRESSIVE, BECKER TYPE; Becker Muscular Dystrophy (BMD). Identifiers: Orphanet 98895, MedGen C0917713, MONDO:0010311, OMIM 300376.
Duchenne muscular dystrophy (DMD). Also called: Duchenne Muscular Dystrophy (DMD); MUSCULAR DYSTROPHY, PSEUDOHYPERTROPHIC PROGRESSIVE, DUCHENNE TYPE. Identifiers: Orphanet 98896, MedGen C0013264, MONDO:0010679, OMIM 310200.
Cardiomyopathy (CMYO). Also called: Cardiomyopathies. Identifiers: Orphanet 167848, MedGen C0878544, MONDO:0004994, HP:0001638. Inheritance: Various modes of inheritance.
Dystrophin deficiency.

Allele frequency attached by ClinVar (database versions not stated): 1000 Genomes Project 0.03364; 1000 Genomes Project 30x 0.03746; TOPMed 0.04836; gnomAD 0.05274 and 0.05327; ESP Exome Variant Server 0.05340; gnomAD exomes 0.06071 and 0.07258; ExAC 0.06233.
gnomAD v4.1: 78,573 of 1,117,038 alleles (7%); highest among the groups gnomAD compares: Non-Finnish European, 7.8%; 2,092 homozygotes.

Submissions (13):

Labcorp Genetics (formerly Invitae), Labcorp
Classification: Benign for Duchenne muscular dystrophy. Last evaluated: 2026-02-04. Review status: criteria provided, single submitter. Criteria: Invitae Variant Classification Sherloc (09022015). Collection method: clinical testing. Allele origin: germline.

ARUP Laboratories, Molecular Genetics and Genomics, ARUP Laboratories
Classification: Benign. Last evaluated: 2025-07-13. Review status: criteria provided, single submitter. Criteria: ARUP Molecular Germline Variant Investigation Process 2024. Collection method: clinical testing. Allele origin: germline.

Blueprint Genetics
Classification: Benign. Last evaluated: 2024-11-28. Review status: criteria provided, single submitter. Criteria: ACMG Guidelines, 2015. Collection method: clinical testing. Allele origin: germline.

Genome-Nilou Lab
Classification: Benign for Dilated cardiomyopathy 3B. Last evaluated: 2021-07-30. Review status: criteria provided, single submitter. Criteria: ACMG Guidelines, 2015. Collection method: clinical testing. Allele origin: germline. Affected: no.

Genome-Nilou Lab
Classification: Benign for Duchenne muscular dystrophy. Last evaluated: 2021-07-30. Review status: criteria provided, single submitter. Criteria: ACMG Guidelines, 2015. Collection method: clinical testing. Allele origin: germline. Affected: no.

Women's Health and Genetics/Laboratory Corporation of America, LabCorp
Classification: Benign. Last evaluated: 2019-03-04. Review status: criteria provided, single submitter. Criteria: LabCorp Variant Classification Summary - May 2015. Collection method: clinical testing. Allele origin: germline.
Comment: Variant summary: DMD c.4234-13A>G alters a non-conserved nucleotide located close to a canonical splice site and therefore could affect mRNA splicing, leading to a significantly altered protein sequence. 5/5 computational tools predict no significant impact on normal splicing. However, these predictions have yet to be confirmed by functional studies. The variant allele was found at a frequency of 0.061 in 197236 control chromosomes in the gnomAD database, including 306 homozygotes and 4517 hemizygotes. Three ClinVar submissions from clinical diagnostic laboratories (evaluation after 2014) cites the variant as likely benign/benign. Based on the evidence outlined above, the variant was classified as benign.

Illumina Laboratory Services, Illumina
Classification: Benign for Dilated cardiomyopathy 3B. Last evaluated: 2018-01-13. Review status: criteria provided, single submitter. Criteria: ICSL Variant Classification Criteria 13 December 2019. Collection method: clinical testing. Allele origin: germline.
Comment: This variant was observed in the ICSL laboratory as part of a predisposition screen in an ostensibly healthy population. It had not been previously curated by ICSL or reported in the Human Gene Mutation Database (HGMD: prior to June 1st, 2018), and was therefore a candidate for classification through an automated scoring system. Utilizing variant allele frequency, disease prevalence and penetrance estimates, and inheritance mode, an automated score was calculated to assess if this variant is too frequent to cause the disease. Based on the score and internal cut-off values, a variant classified as benign is not then subjected to further curation. The score for this variant resulted in a classification of benign for this disease.

Eurofins Ntd Llc (ga)
Classification: Benign. Last evaluated: 2016-01-21. Review status: criteria provided, single submitter. Criteria: EGL Classification Definitions 2015. Collection method: clinical testing. Allele origin: germline. Observed: 67 variant alleles, 36 heterozygotes, 3 homozygotes, 28 hemizygotes.

Laboratory for Molecular Medicine, Mass General Brigham Personalized Medicine
Classification: Benign. Last evaluated: 2015-01-13. Review status: criteria provided, single submitter. Criteria: LMM Criteria. Collection method: clinical testing. Allele origin: germline. Observed: 44 variant alleles.
Comment: c.4234-13A>G in intron 30 of DMD: This variant is not expected to have clinical significance because it has been identified in 7.8% (524/6728) of European Ameri can chromosomes from a broad population by the NHLBI Exome Sequencing Project (dbSNP rs41303181).

GeneDx
Classification: Benign. Last evaluated: 2014-01-22. Review status: criteria provided, single submitter. Criteria: GeneDx Variant Classification (06012015). Collection method: clinical testing. Allele origin: germline. Affected: yes.
Comment: This variant is considered likely benign or benign based on one or more of the following criteria: it is a conservative change, it occurs at a poorly conserved position in the protein, it is predicted to be benign by multiple in silico algorithms, and/or has population frequency not consistent with disease.

Breakthrough Genomics
Classification: Benign. Review status: criteria provided, single submitter. Criteria: ACMG Guidelines, 2015. Collection method: not provided. Allele origin: germline. Inheritance: X-linked inheritance. Affected: yes.

PreventionGenetics, part of Exact Sciences
Classification: Benign. Review status: criteria provided, single submitter. Criteria: ACMG Guidelines, 2015. Collection method: clinical testing. Allele origin: germline.

Natera, Inc.
Classification: Benign for Becker muscular dystrophy; Cardiomyopathy; Duchenne muscular dystrophy; Dystrophin deficiency. Last evaluated: 2017-08-09. Review status: no assertion criteria provided. Collection method: clinical testing. Allele origin: germline. Not counted in ClinVar's aggregate classification.